The following is an entry in ClinVar:

NM_080425.4(GNAS):c.1420C>T (p.Pro474Ser)

Gene: GNAS (GNAS complex locus; plus strand). Cytogenetic location: 20q13.32.
Variant type: single nucleotide variant.
Coding change: c.1420C>T on transcript NM_080425.4 (MANE Plus Clinical); coding-DNA position 1420, C replaced by T.
Protein change: p.Pro474Ser; replaces proline 474 with serine.
Molecular consequence: missense variant. On other transcripts: synonymous variant (2), intron variant (3).
Genome position (GRCh38, 1-based): chr20:58,854,685, C>T. VCF-style: chr20-58854685-C-T. GRCh37 (hg19) VCF-style: chr20-57429740-C-T.
Other names: c.1233C>T, p.Leu411= (NM_001077490.3, NM_001309883.1); c.1420C>T, p.Pro474Ser (NM_001410913.1); c.*42+13799C>T (NM_016592.5); c.43+13799C>T (NM_001410912.1); c.-39+12810C>T (NM_001309861.2); short protein forms P474S.
Identifiers: ClinVar variation 2637273 (VCV002637273.4), dbSNP rs759210010, ClinGen allele CA9926683.

ClinVar aggregate classification (germline): Likely benign (1 of 4 stars; one submission).

Conditions:
GNAS-related disorder. Identifiers: MedGen CN380105.

Allele frequency attached by ClinVar (database versions not stated): TOPMed 0.00022; gnomAD exomes 0.00046; ExAC 0.00010; gnomAD 0.00025.
gnomAD v4.1: 654 of 1,528,118 alleles (0.043%); highest among the groups gnomAD compares: Non-Finnish European, 0.055%; no homozygotes.

Submission:

PreventionGenetics, part of Exact Sciences
Classification: Likely benign for GNAS-related condition. Last evaluated: 2025-02-24. Review status: criteria provided, single submitter. Criteria: ACMG Guidelines, 2015. Collection method: clinical testing. Allele origin: germline.
Comment: This variant is classified as likely benign based on ACMG/AMP sequence variant interpretation guidelines (Richards et al. 2015 PMID: 25741868, with internal and published modifications).